The following is an entry in ClinVar:

ClinVar aggregate classification (germline): Likely benign. Review status: criteria provided, multiple submitters, no conflicts (2 of 4 stars). 4 submissions from 4 submitters: Likely benign (4). Last evaluated 2025-09-01.

Conditions:
Inborn genetic diseases. Identifiers: MedGen C0950123, MeSH D030342.

Allele frequency attached by ClinVar (database versions not stated): gnomAD 0.00004.
gnomAD v4.1: 58 of 1,613,466 alleles (0.0036%); highest among the groups gnomAD compares: Middle Eastern, 0.12%; no homozygotes.

Submissions (4):

CeGaT Center for Human Genetics Tuebingen
Classification: Likely benign. Last evaluated: 2025-09-01. Review status: criteria provided, single submitter. Criteria: CeGaT Center For Human Genetics Tuebingen Variant Classification Criteria Version 2. Collection method: clinical testing. Allele origin: germline. Affected: yes. Observed: 1 variant allele.
Comment: LAMA1: BP4, BP7

Ambry Genetics
Classification: Likely benign for Inborn genetic diseases. Last evaluated: 2024-04-22. Review status: criteria provided, single submitter. Criteria: Ambry Variant Classification Scheme 2023. Collection method: clinical testing. Allele origin: germline.

Labcorp Genetics (formerly Invitae), Labcorp
Classification: Likely benign. Last evaluated: 2024-03-22. Review status: criteria provided, single submitter. Criteria: Invitae Variant Classification Sherloc (09022015). Collection method: clinical testing. Allele origin: germline.

Blueprint Genetics
Classification: Likely benign. Last evaluated: 2024-01-12. Review status: criteria provided, single submitter. Criteria: ACMG Guidelines, 2015. Collection method: clinical testing. Allele origin: germline.

NM_005559.4(LAMA1):c.8214G>T (p.Ser2738=)

Gene: LAMA1 (laminin subunit alpha 1; minus strand). Cytogenetic location: 18p11.31.
Variant type: single nucleotide variant.
Coding change: c.8214G>T on transcript NM_005559.4 (MANE Select); coding-DNA position 8214, G replaced by T.
Protein change: p.Ser2738=; no amino-acid change (serine 2738 retained).
Molecular consequence: synonymous variant.
Genome position (GRCh38, 1-based): chr18:6,950,965, C>A on the plus strand (G>T on the coding strand, the complement: LAMA1 is on the minus strand). VCF-style: chr18-6950965-C-A. GRCh37 (hg19) VCF-style: chr18-6950964-C-A.
Other names: c.8214G>T (NM_005559.3).
Identifiers: ClinVar variation 2059295 (VCV002059295.13), dbSNP rs199886038, ClinGen allele CA8880544.